The following is an entry in ClinVar:

NM_001139.3(ALOX12B):c.1405C>T (p.Arg469Trp)

Gene: ALOX12B (arachidonate 12-lipoxygenase, 12R type; minus strand). Cytogenetic location: 17p13.1.
Variant type: single nucleotide variant.
Coding change: c.1405C>T on transcript NM_001139.3 (MANE Select); coding-DNA position 1405, C replaced by T.
Protein change: p.Arg469Trp; replaces arginine 469 with tryptophan.
Molecular consequence: missense variant.
Genome position (GRCh38, 1-based): chr17:8,076,302, G>A on the plus strand (C>T on the coding strand, the complement: ALOX12B is on the minus strand). VCF-style: chr17-8076302-G-A. GRCh37 (hg19) VCF-style: chr17-7979620-G-A.
Other names: short protein forms R469W.
Identifiers: ClinVar variation 995715 (VCV000995715.13), dbSNP rs559401066, ClinGen allele CA8367311.

ClinVar aggregate classification (germline): Conflicting classifications of pathogenicity. Review status: criteria provided, conflicting classifications (1 of 4 stars). 8 submissions from 8 submitters: Pathogenic (1); Likely pathogenic (4); Uncertain significance (2). 1 of the submissions does not count toward it. Last evaluated 2026-05-13.

Conditions:
Ichthyosis and erythrokeratoderma.
Autosomal recessive congenital ichthyosis (ARCI). Identifiers: Orphanet 281097, MedGen C1274215, MONDO:0017265.
Autosomal recessive congenital ichthyosis 2 (ARCI2). Identifiers: Orphanet 281122, Orphanet 79394, MedGen C3888093, MONDO:0009439, OMIM 242100.
ALOX12B-related disorder. Also called: ALOX12B-related condition.

Allele frequency attached by ClinVar (database versions not stated): gnomAD 0.00002 and 0.00003; gnomAD exomes 0.00002 and 0.00004; TOPMed 0.00002; ExAC 0.00006; 1000 Genomes Project 30x 0.00016; 1000 Genomes Project 0.00020.
gnomAD v4.1: 36 of 1,612,500 alleles (0.0022%); highest among the groups gnomAD compares: South Asian, 0.025%; no homozygotes.

Submissions (8):

Genetics Laboratory, Great Ormond Street Hospital NHS Foundation Trust, North Thames Genomic Laboratory Hub
Classification: Likely pathogenic for Ichthyosis and erythrokeratoderma. Last evaluated: 2026-05-13. Review status: criteria provided, single submitter. Criteria: ACGS Best Practice Guidelines for Variant Classification in Rare Disease 2024 v1.2. Collection method: clinical testing. Allele origin: germline. Affected: yes.
Comment: PM2_moderate, PM3_strong, PP4_supporting

Blueprint Genetics
Classification: Pathogenic for ALOX12B-related disorders. Last evaluated: 2024-11-11. Review status: criteria provided, single submitter. Criteria: ACMG Guidelines, 2015. Collection method: clinical testing. Allele origin: germline. Affected: yes. Observed: 5 variant alleles.

PreventionGenetics, part of Exact Sciences
Classification: Likely pathogenic for ALOX12B-related condition. Last evaluated: 2024-11-06. Review status: criteria provided, single submitter. Criteria: ACMG Guidelines, 2015. Collection method: clinical testing. Allele origin: germline.
Comment: The ALOX12B c.1405C>T variant is predicted to result in the amino acid substitution p.Arg469Trp. This variant has been reported in the homozygous or compound heterozygous state in unrelated individuals with autosomal-recessive congenital ichthyosis (Borská et al. 2019. PubMed ID: 31046801; Table S2, Simpson et al. 2020. PubMed ID: 31168818; Cheng et al. 2020. PubMed ID: 31953843; Table S1, Hotz et al. 2021. PubMed ID: 33435499). This variant is reported in 0.030% of alleles in individuals of South Asian descent in gnomAD. Taken together, this variant is interpreted as likely pathogenic.

Fulgent Genetics
Classification: Likely pathogenic for Autosomal recessive congenital ichthyosis 2. Last evaluated: 2024-02-02. Review status: criteria provided, single submitter. Criteria: ACMG Guidelines, 2015. Collection method: clinical testing. Allele origin: germline.

Cambridge Genomics Laboratory, East Genomic Laboratory Hub, NHS Genomic Medicine Service
Classification: Uncertain significance for Autosomal recessive congenital ichthyosis. Last evaluated: 2019-12-06. Review status: criteria provided, single submitter. Criteria: ACGS Best Practice Guidelines for Variant Classification in Rare Disease 2020. Collection method: clinical testing. Allele origin: germline. Affected: yes. Observed: 1 variant allele.

GeneDx
Classification: Uncertain significance. Last evaluated: 2019-03-27. Review status: criteria provided, single submitter. Criteria: GeneDx Variant Classification Process June 2021. Collection method: clinical testing. Allele origin: germline. Affected: yes.
Comment: In silico analysis, which includes protein predictors and evolutionary conservation, supports a deleterious effect; Has not been previously published as pathogenic or benign to our knowledge; This variant is associated with the following publications: (PMID: 31953843, 31168818, 31046801)

Juno Genomics, Hangzhou Juno Genomics, Inc
Classification: Likely pathogenic for Autosomal recessive congenital ichthyosis 2. Review status: criteria provided, single submitter. Criteria: ACMG Guidelines, 2015. Collection method: clinical testing. Allele origin: germline. Affected: yes.
Comment: Absent from controls (or at extremely low frequency if recessive) in Genome Aggregation Database, Exome Sequencing Project, 1000 Genomes Project, or Exome Aggregation Consortium.;For recessive disorders, detected in trans with a pathogenic variant.;Patient's phenotype or family history is highly specific for a disease with a single genetic etiology.

Institute for Human Genetics, University Medical Center Freiburg
Classification: Pathogenic for Autosomal recessive congenital ichthyosis 2. Last evaluated: 2021-01-07. Review status: no assertion criteria provided. Collection method: clinical testing. Allele origin: unknown. Affected: yes. Not counted in ClinVar's aggregate classification.

Literature cited by the submitters: PubMed 31046801 (cited by Institute for Human Genetics, University Medical Center Freiburg).